The following is an entry in ClinVar:

NM_002332.3(LRP1):c.12985C>T (p.Arg4329Cys)

Gene: LRP1 (LDL receptor related protein 1; plus strand). Cytogenetic location: 12q13.3.
Variant type: single nucleotide variant.
Coding change: c.12985C>T on transcript NM_002332.3 (MANE Select); coding-DNA position 12985, C replaced by T.
Protein change: p.Arg4329Cys; replaces arginine 4329 with cysteine.
Molecular consequence: missense variant.
Genome position (GRCh38, 1-based): chr12:57,211,244, C>T. VCF-style: chr12-57211244-C-T. GRCh37 (hg19) VCF-style: chr12-57605027-C-T.
Other names: short protein forms R4329C.
Identifiers: ClinVar variation 4526026 (VCV004526026.1).

ClinVar aggregate classification (germline): Uncertain significance (1 of 4 stars; one submission).

gnomAD v4.1: 69 of 1,614,224 alleles (0.0043%); highest among the groups gnomAD compares: Non-Finnish European, 0.0056%; no homozygotes.

Submission:

Women's Health and Genetics/Laboratory Corporation of America, LabCorp
Classification: Uncertain significance. Last evaluated: 2025-07-29. Review status: criteria provided, single submitter. Criteria: LabCorp Variant Classification Summary - May 2015. Collection method: clinical testing. Allele origin: germline.
Comment: Variant summary: LRP1 c.12985C>T (p.Arg4329Cys) results in a non-conservative amino acid change in the encoded protein sequence. Algorithms developed to predict the effect of missense changes on protein structure and function are either unavailable or do not agree on the potential impact of this missense change. The variant allele was found at a frequency of 4e-05 in 252680 control chromosomes, predominantly at a frequency of 7e-05 within the Non-Finnish European subpopulation in the gnomAD database and a control cohort consist of individuals without Alzheimer's Disease (Sassi_2016). The available data on variant occurrences in the general population are insufficient to allow any conclusion about variant significance. To our knowledge, no occurrence of c.12985C>T in individuals affected with LRP1-Related Disorders and no experimental evidence demonstrating its impact on protein function have been reported. The following publication has been ascertained in the context of this evaluation (PMID: 27249223). No submitters have cited clinical-significance assessments for this variant to ClinVar. Based on the evidence outlined above, the variant was classified as uncertain significance.

Literature cited by the submitters: PubMed 27249223.